The following is an entry in ClinVar:

NM_000516.7(GNAS):c.133C>T (p.Leu45=)

Gene: GNAS (GNAS complex locus; plus strand). Cytogenetic location: 20q13.32.
Variant type: single nucleotide variant.
Coding change: c.133C>T on transcript NM_000516.7 (MANE Select); coding-DNA position 133, C replaced by T.
Protein change: p.Leu45=; no amino-acid change (leucine 45 retained).
Molecular consequence: synonymous variant. On other transcripts: intron variant (8).
Genome position (GRCh38, 1-based): chr20:58,891,859, C>T. VCF-style: chr20-58891859-C-T. GRCh37 (hg19) VCF-style: chr20-57466914-C-T.
Other names: c.133C>T, p.Leu45= (NM_001077488.5, NM_001077489.4, NM_001309842.2 and 1 more transcripts); c.*43-3753C>T (NM_016592.5); c.44-3753C>T (NM_001410912.1); c.-38-3753C>T (NM_001309861.2); c.*1-3753C>T (NM_001077490.3); c.2069-3753C>T (NM_080425.4, NM_001410913.1); c.*159-3753C>T (NM_001309883.1); c.-39+2506C>T (NM_001309840.2); and 1 more.
Identifiers: ClinVar variation 2994979 (VCV002994979.5), dbSNP rs771661504, ClinGen allele CA9926891.
Genomic context (GRCh38, chr20:58,891,859, plus strand): 5'-AAGATCGAGAAGCAGCTGCAGAAGGACAAGCAGGTCTACCGGGCCACGCACCGCCTGCTG[C>T]TGCTGGGTAAGGGCGGGCGGGGGGCGCCGGCCCCGGCCCGGGGGCCCTCGAAGGGCGCCC-3'
Protein context (NP_000507.1, residues 35-55): QVYRATHRLL[Leu45=]LGAGESGKST

ClinVar aggregate classification (germline): Likely benign. Review status: criteria provided, single submitter (1 of 4 stars). 2 submissions from 2 submitters: Likely benign (1). 1 of the submissions does not count toward it. Last evaluated 2026-01-13.

Conditions:
GNAS-related disorder. Identifiers: MedGen CN380105.

Allele frequency attached by ClinVar (database versions not stated): ExAC 0.00003; gnomAD exomes 0.00001; gnomAD 0.00001.
gnomAD v4.1: 7 of 1,225,048 alleles (0.00057%); highest among the groups gnomAD compares: Non-Finnish European, 0.00074%; no homozygotes.

Submissions (2):

Labcorp Genetics (formerly Invitae), Labcorp
Classification: Likely benign. Last evaluated: 2026-01-13. Review status: criteria provided, single submitter. Criteria: Invitae Variant Classification Sherloc (09022015). Collection method: clinical testing. Allele origin: germline.

PreventionGenetics, part of Exact Sciences
Classification: Likely benign for GNAS-related condition. Last evaluated: 2019-02-28. Review status: no assertion criteria provided. Collection method: clinical testing. Allele origin: germline. Not counted in ClinVar's aggregate classification.
Comment: This variant is classified as likely benign based on ACMG/AMP sequence variant interpretation guidelines (Richards et al. 2015 PMID: 25741868, with internal and published modifications).